The following is an entry in ClinVar:

NM_001009944.3(PKD1):c.1630CTC[1] (p.Leu545del)

Gene: PKD1 (polycystin 1, transient receptor potential channel interacting; minus strand). Cytogenetic location: 16p13.3.
Variant type: Microsatellite.
Coding change: c.1630CTC[1] on transcript NM_001009944.3 (MANE Select); one copy of the 3-base unit CTC starting at c.1630; the reference has two copies in a row; one copy, 3 bases deleted; also written c.1633_1635del.
Protein change: p.Leu545del; deletes leucine 545.
Molecular consequence: inframe deletion.
Genome position (GRCh38, 1-based): chr16:2,116,616-2,116,618, GAG deleted on the plus strand (CTC on the coding strand, the reverse complement: PKD1 is on the minus strand); deleting any 3 consecutive bases within chr16:2,116,616-2,116,622 gives the same sequence; the position shown is the placement nearest the transcript's 3' end. VCF-style (leftmost placement, unchanged base first): chr16-2116615-CGAG-C. GRCh37 (hg19) VCF-style: chr16-2166616-CGAG-C.
Other names: c.1630CTC[1], p.Leu545del (NM_000296.4); c.1633_1635del (NM_001009944.3); short protein forms L545del.
Identifiers: ClinVar variation 637998 (VCV000637998.4), dbSNP rs1596585121, ClinGen allele CA915949026.
Genomic context (GRCh38, chr16:2,116,615, plus strand): 5'-GGCCGTCCTGCTGTGCCAGAGGCGTCAGGGGTCCCTGCAGGTCCCCACTGGGCGCTCCCA[CGAG>C]GAGGTTCTCGGCATCCTGCACTGGGCCTGGGGTGGCGAGTGCACAGTGAGGCGCCGGGCC-3'

ClinVar aggregate classification (germline): Uncertain significance. Review status: criteria provided, multiple submitters, no conflicts (2 of 4 stars). 4 submissions from 4 submitters: Uncertain significance (2). 2 of the submissions do not count toward it. Last evaluated 2022-07-05.

Conditions:
PKD1-related disorder. Also called: PKD1-related condition.
Polycystic kidney disease, adult type (PKD1). Also called: Polycystic Kidney Disease 1, Autosomal Dominant; Polycystic kidney disease 1; Polycystic kidney disease 1, severe; Polycystic Kidney, Autosomal Dominant; POLYCYSTIC KIDNEY DISEASE, ADULT, TYPE I; POLYCYSTIC KIDNEY DISEASE 1 WITH OR WITHOUT POLYCYSTIC LIVER DISEASE. Identifiers: MedGen C3149841, MONDO:0008263, OMIM 173900.

Submissions (4):

Department of Pathology and Laboratory Medicine, Sinai Health System
Classification: Uncertain significance for Polycystic kidney disease, adult type. Last evaluated: 2022-07-05. Review status: criteria provided, single submitter. Criteria: ACMG Guidelines, 2015. Collection method: clinical testing. Allele origin: germline. Affected: yes.

MVZ Martinsried, Medicover Genetics
Classification: Uncertain significance for Polycystic kidney disease, adult type. Last evaluated: 2019-01-17. Review status: criteria provided, single submitter. Criteria: ACMG Guidelines, 2015. Collection method: clinical testing. Allele origin: unknown. Affected: yes.

PreventionGenetics, part of Exact Sciences
Classification: Uncertain significance for PKD1-related condition. Last evaluated: 2024-04-17. Review status: no assertion criteria provided. Collection method: clinical testing. Allele origin: germline. Not counted in ClinVar's aggregate classification.
Comment: The PKD1 c.1633_1635delCTC variant is predicted to result in an in-frame deletion (p.Leu545del). To our knowledge, this variant has not been reported in the literature or in a large population database, indicating this variant is rare. Of note, small in-frame deletions of this gene were commonly reported to be pathogenic for autosomal dominant polycystic kidney disease (ADPKD) (Human Gene Mutation Database). At this time, the clinical significance of this variant is uncertain due to the absence of conclusive functional and genetic evidence.

Centre for Molecular Medicine & Biobanking, University of Malta
Classification: Uncertain significance for Polycystic kidney disease, adult type. Last evaluated: 2024-01-31. Review status: no assertion criteria provided. Collection method: research. Allele origin: germline. Affected: yes. Not counted in ClinVar's aggregate classification.